The following is an entry in ClinVar:

ClinVar aggregate classification (germline): Likely benign (1 of 4 stars; one submission).

Allele frequency attached by ClinVar (database versions not stated): gnomAD exomes below 0.00001.
gnomAD v4.1: 1 of 1,614,092 alleles (0.000062%); highest among the groups gnomAD compares: Non-Finnish European, 0.000085%; no homozygotes.

Submission:

CeGaT Center for Human Genetics Tuebingen
Classification: Likely benign. Last evaluated: 2022-06-01. Review status: criteria provided, single submitter. Criteria: CeGaT Center For Human Genetics Tuebingen Variant Classification Criteria Version 2. Collection method: clinical testing. Allele origin: germline. Affected: yes. Observed: 1 variant allele.
Comment: SHROOM1: PM2:Supporting, BP4, BP7

NM_001172700.2(SHROOM1):c.1083C>T (p.Pro361=)

Gene: SHROOM1 (shroom family member 1; minus strand). Cytogenetic location: 5q31.1.
Variant type: single nucleotide variant.
Coding change: c.1083C>T on transcript NM_001172700.2 (MANE Select); coding-DNA position 1083, C replaced by T.
Protein change: p.Pro361=; no amino-acid change (proline 361 retained).
Molecular consequence: synonymous variant. On other transcripts: intron variant (1).
Genome position (GRCh38, 1-based): chr5:132,824,773, G>A on the plus strand (C>T on the coding strand, the complement: SHROOM1 is on the minus strand). VCF-style: chr5-132824773-G-A. GRCh37 (hg19) VCF-style: chr5-132160465-G-A.
Other names: c.1083C>T, p.Pro361= (NM_133456.3); c.1034+245C>T (NM_001410779.1).
Identifiers: ClinVar variation 2655697 (VCV002655697.24), dbSNP rs2532277506, ClinGen allele CA446369161.